The following is an entry in ClinVar:

NM_000548.5(TSC2):c.[4570-18_4570-6del;4570-5CA[3]]

Variant type: Haplotype.
Identifiers: ClinVar variation 1700635 (VCV001700635.2).

ClinVar aggregate classification (germline): Pathogenic (1 of 4 stars; one submission).

Conditions:
Tuberous sclerosis 2 (TSC2). Identifiers: Orphanet 805, MedGen C1860707, MONDO:0013199, OMIM 613254.

Submission:

Division of Genomic Medicine, Department of Advanced Medicine, Medical Research Institute, Kanazawa Medical University
Classification: Pathogenic for Tuberous sclerosis 2. Last evaluated: 2022-08-01. Review status: criteria provided, single submitter. Criteria: ACMG Guidelines, 2015. Collection method: clinical testing. Allele origin: germline. Affected: yes. Observed: 1 variant allele.
Comment: This 13 base pairs deletion and 2 base paires duplication in the TSC2 intron 35 causes splicing abnormalities.